The following is an entry in ClinVar:

NM_016151.4(TAOK2):c.2667G>T (p.Trp889Cys)

Gene: TAOK2 (TAO kinase 2; plus strand). Cytogenetic location: 16p11.2.
Variant type: single nucleotide variant.
Coding change: c.2667G>T on transcript NM_016151.4 (MANE Select); coding-DNA position 2667, G replaced by T.
Protein change: p.Trp889Cys; replaces tryptophan 889 with cysteine.
Molecular consequence: missense variant. On other transcripts: intron variant (1).
Genome position (GRCh38, 1-based): chr16:29,986,939, G>T. VCF-style: chr16-29986939-G-T. GRCh37 (hg19) VCF-style: chr16-29998260-G-T.
Other names: c.2328G>T, p.Trp776Cys (NM_001252043.2); c.2232+435G>T (NM_004783.4); short protein forms W776C, W889C.
Identifiers: ClinVar variation 3654657 (VCV003654657.2).

ClinVar aggregate classification (germline): Uncertain significance (1 of 4 stars; one submission).

gnomAD v4.1: 1 of 1,613,954 alleles (0.000062%); highest among the groups gnomAD compares: Admixed American, 0.0017%; no homozygotes.

Submission:

Labcorp Genetics (formerly Invitae), Labcorp
Classification: Uncertain significance. Last evaluated: 2024-06-05. Review status: criteria provided, single submitter. Criteria: Invitae Variant Classification Sherloc (09022015). Collection method: clinical testing. Allele origin: germline.
Comment: This sequence change replaces tryptophan, which is neutral and slightly polar, with cysteine, which is neutral and slightly polar, at codon 889 of the TAOK2 protein (p.Trp889Cys). This variant is present in population databases (no rsID available, gnomAD 0.1%). This variant has not been reported in the literature in individuals affected with TAOK2-related conditions. An algorithm developed to predict the effect of missense changes on protein structure and function (PolyPhen-2) suggests that this variant is likely to be disruptive. In summary, the available evidence is currently insufficient to determine the role of this variant in disease. Therefore, it has been classified as a Variant of Uncertain Significance.